The following is an entry in ClinVar:

ClinVar aggregate classification (germline): Uncertain significance (1 of 4 stars; one submission).

Conditions:
Hereditary hyperekplexia. Identifiers: Orphanet 3197, MedGen C4084968, MONDO:0021022.

Submission:

Labcorp Genetics (formerly Invitae), Labcorp
Classification: Uncertain significance for Hereditary hyperekplexia. Last evaluated: 2023-09-12. Review status: criteria provided, single submitter. Criteria: Invitae Variant Classification Sherloc (09022015). Collection method: clinical testing. Allele origin: unknown.
Comment: In summary, the available evidence is currently insufficient to determine the role of this variant in disease. Therefore, it has been classified as a Variant of Uncertain Significance. This variant has not been reported in the literature in individuals affected with GLRA1-related conditions. A copy number gain of the genomic region encompassing the full coding sequence of the GLRA1 gene has been identified. The boundaries of this event are unknown as they extend beyond the assayed region for this gene and therefore may encompass additional genes. As the precise location of this event is unknown, it may be in tandem or it may be located elsewhere in the genome.

NC_000005.9:g.(?_150632778)_(151304110_?)dup

Genes: ATOX1 (antioxidant 1 copper chaperone; minus strand), FAT2 (FAT atypical cadherin 2; minus strand), G3BP1 (G3BP stress granule assembly factor 1; plus strand), GLRA1 (glycine receptor alpha 1; minus strand), GM2A (ganglioside GM2 activator; plus strand) and 4 more. Cytogenetic location: 5q33.1.
Variant type: Duplication.
Identifiers: ClinVar variation 3246326 (VCV003246326.1).